The following is an entry in ClinVar:

NM_183065.4(TMEM107):c.5G>A (p.Gly2Asp)

Genes: TMEM107 (transmembrane protein 107; minus strand), LOC105371520 (uncharacterized LOC105371520; plus strand). Cytogenetic location: 17p13.1.
Variant type: single nucleotide variant.
Coding change: c.5G>A on transcript NM_183065.4 (MANE Select); coding-DNA position 5, G replaced by A.
Protein change: p.Gly2Asp; replaces glycine 2 with aspartic acid.
Molecular consequence: missense variant. On other transcripts: non-coding transcript variant (1).
Genome position (GRCh38, 1-based): chr17:8,176,282, C>T on the plus strand (G>A on the coding strand, the complement: TMEM107 is on the minus strand). VCF-style: chr17-8176282-C-T. GRCh37 (hg19) VCF-style: chr17-8079600-C-T.
Other names: c.5G>A, p.Gly2Asp (NM_001351278.2, NM_001351279.2, NM_001351280.2 and 1 more transcripts); short protein forms G2D.
Identifiers: ClinVar variation 2001255 (VCV002001255.4), dbSNP rs2507725013, ClinGen allele CA397972626.

ClinVar aggregate classification (germline): Uncertain significance (1 of 4 stars; one submission).

Submission:

Labcorp Genetics (formerly Invitae), Labcorp
Classification: Uncertain significance. Last evaluated: 2023-08-10. Review status: criteria provided, single submitter. Criteria: Invitae Variant Classification Sherloc (09022015). Collection method: clinical testing. Allele origin: germline.
Comment: This sequence change replaces glycine, which is neutral and non-polar, with aspartic acid, which is acidic and polar, at codon 2 of the TMEM107 protein (p.Gly2Asp). In summary, the available evidence is currently insufficient to determine the role of this variant in disease. Therefore, it has been classified as a Variant of Uncertain Significance. An algorithm developed to predict the effect of missense changes on protein structure and function (PolyPhen-2) suggests that this variant is likely to be disruptive. ClinVar contains an entry for this variant (Variation ID: 2001255). This variant has not been reported in the literature in individuals affected with TMEM107-related conditions. This variant is not present in population databases (gnomAD no frequency).